The following is an entry in ClinVar:

ClinVar aggregate classification (germline): Uncertain significance. Review status: criteria provided, multiple submitters, no conflicts (2 of 4 stars). 5 submissions from 5 submitters: Uncertain significance (5). Last evaluated 2026-08-06.

Conditions:
Hereditary nonpolyposis colorectal neoplasms. Identifiers: MedGen C0009405, MeSH D003123.
Hereditary cancer-predisposing syndrome. Also called: Tumor predisposition; Neoplastic Syndromes, Hereditary; Hereditary Cancer Syndrome; Hereditary neoplastic syndrome. Identifiers: Orphanet 140162, MedGen C0027672, MeSH D009386, MONDO:0015356.
Lynch syndrome. Identifiers: Orphanet 144, MedGen C4552100, MONDO:0005835. Disease mechanism: loss of function.
Endometrial carcinoma. Also called: Endometrial carcinoma, somatic. Identifiers: MedGen C0476089, MONDO:0002447, OMIM 608089, HP:0012114.

Submissions (5):

OLLIN Analises Genomicas, OLLIN
Classification: Uncertain significance for Endometrial carcinoma. Last evaluated: 2026-08-06. Review status: criteria provided, single submitter. Criteria: ACMG Guidelines 2015 PMID 25741868. Collection method: clinical testing. Allele origin: germline. Inheritance: Autosomal dominant inheritance.
Comment: This missense variant, located in exon 4 (of 10), is absent from gnomAD and has not been identified in the literature. However, it has been reported in ClinVar (accession VCV000489995.18). In silico analysis predicts that this variant has a tolerated effect. According to the currently available evidence, this variant has been classified as uncertain significance (PM2_P, BP4).

Labcorp Genetics (formerly Invitae), Labcorp
Classification: Uncertain significance for Hereditary nonpolyposis colorectal neoplasms. Last evaluated: 2025-09-03. Review status: criteria provided, single submitter. Criteria: Invitae Variant Classification Sherloc (09022015). Collection method: clinical testing. Allele origin: germline.
Comment: This sequence change replaces tryptophan, which is neutral and slightly polar, with arginine, which is basic and polar, at codon 1007 of the MSH6 protein (p.Trp1007Arg). This variant is not present in population databases (gnomAD no frequency). This missense change has been observed in individual(s) with breast cancer (PMID: 35264596). ClinVar contains an entry for this variant (Variation ID: 489995). Invitae Evidence Modeling of protein sequence and biophysical properties (such as structural, functional, and spatial information, amino acid conservation, physicochemical variation, residue mobility, and thermodynamic stability) indicates that this missense variant is not expected to disrupt MSH6 protein function with a negative predictive value of 95%. In summary, the available evidence is currently insufficient to determine the role of this variant in disease. Therefore, it has been classified as a Variant of Uncertain Significance.

Color Diagnostics, LLC DBA Color Health
Classification: Uncertain significance for Hereditary cancer-predisposing syndrome. Last evaluated: 2023-02-21. Review status: criteria provided, single submitter. Criteria: ACMG Guidelines, 2015. Collection method: clinical testing. Allele origin: germline.
Comment: This missense variant replaces tryptophan with arginine at codon 1007 of the MSH6 protein. Computational prediction is inconclusive regarding the impact of this variant on protein structure and function (internally defined REVEL score threshold 0.5 < inconclusive < 0.7, PMID: 27666373). To our knowledge, functional studies have not been reported for this variant. This variant has not been reported in individuals affected with MSH6-related disorders in the literature. This variant has not been identified in the general population by the Genome Aggregation Database (gnomAD). The available evidence is insufficient to determine the role of this variant in disease conclusively. Therefore, this variant is classified as a Variant of Uncertain Significance.

Ambry Genetics
Classification: Uncertain significance for Hereditary cancer-predisposing syndrome. Last evaluated: 2022-02-08. Review status: criteria provided, single submitter. Criteria: Ambry Variant Classification Scheme 2023. Collection method: clinical testing. Allele origin: germline.
Comment: The p.W1007R variant (also known as c.3019T>C), located in coding exon 4 of the MSH6 gene, results from a T to C substitution at nucleotide position 3019. The tryptophan at codon 1007 is replaced by arginine, an amino acid with dissimilar properties. This amino acid position is not well conserved in available vertebrate species. In addition, the in silico prediction for this alteration is inconclusive. Since supporting evidence is limited at this time, the clinical significance of this alteration remains unclear.

Mendelics
Classification: Uncertain significance for Lynch syndrome. Last evaluated: 2018-07-02. Review status: criteria provided, single submitter. Criteria: Mendelics Assertion Criteria 2017. Collection method: clinical testing. Allele origin: unknown.

Literature cited by the submitters: PubMed 35264596 (cited by Labcorp Genetics (formerly Invitae), Labcorp).

NM_000179.3(MSH6):c.3019T>C (p.Trp1007Arg)

Gene: MSH6 (mutS homolog 6; plus strand). Cytogenetic location: 2p16.3.
Variant type: single nucleotide variant.
Coding change: c.3019T>C on transcript NM_000179.3 (MANE Select); coding-DNA position 3019, T replaced by C.
Protein change: p.Trp1007Arg; replaces tryptophan 1007 with arginine.
Molecular consequence: missense variant.
Genome position (GRCh38, 1-based): chr2:47,801,002, T>C. VCF-style: chr2-47801002-T-C. GRCh37 (hg19) VCF-style: chr2-48028141-T-C.
Other names: c.2629T>C, p.Trp877Arg (NM_001281492.2); c.2113T>C, p.Trp705Arg (NM_001281493.2, NM_001281494.2); short protein forms W1007R, W705R, W877R.
Identifiers: ClinVar variation 489995 (VCV000489995.19), dbSNP rs1553414398, ClinGen allele CA346756436.